The following is an entry in ClinVar:

ClinVar aggregate classification (germline): Uncertain significance (1 of 4 stars; one submission).

Submission:

GeneDx
Classification: Uncertain significance. Last evaluated: 2025-07-18. Review status: criteria provided, single submitter. Criteria: GeneDx Variant Classification Process June 2021. Collection method: clinical testing. Allele origin: germline.
Comment: Not observed at significant frequency in large population cohorts (gnomAD); In silico analysis supports that this missense variant has a deleterious effect on protein structure/function; Has not been previously published as pathogenic or benign to our knowledge

NM_000052.7(ATP7A):c.3563T>C (p.Met1188Thr)

Gene: ATP7A (ATPase copper transporting alpha; plus strand). Cytogenetic location: Xq21.1.
Variant type: single nucleotide variant.
Coding change: c.3563T>C on transcript NM_000052.7 (MANE Select); coding-DNA position 3563, T replaced by C.
Protein change: p.Met1188Thr; replaces methionine 1188 with threonine.
Molecular consequence: missense variant. On other transcripts: non-coding transcript variant (1).
Genome position (GRCh38, 1-based): chrX:78,038,887, T>C. VCF-style: chrX-78038887-T-C. GRCh37 (hg19) VCF-style: chrX-77294385-T-C.
Other names: c.3329T>C, p.Met1110Thr (NM_001282224.2); short protein forms M1110T, M1188T.
Identifiers: ClinVar variation 3252135 (VCV003252135.2), dbSNP rs2522410642.